The following is an entry in ClinVar:

ClinVar aggregate classification (germline): Uncertain significance (1 of 4 stars; one submission).

Conditions:
Melnick-Needles syndrome (MNS). Also called: MELNICK-NEEDLES OSTEODYSPLASTY; OSTEODYSPLASTY OF MELNICK AND NEEDLES; Melnick-Needles Syndrome (FLNA-MNS). Identifiers: Orphanet 2484, MedGen C0025237, MONDO:0010650, OMIM 309350.
Frontometaphyseal dysplasia (FMD1). Identifiers: Orphanet 1826, MedGen C0265293, MONDO:0015942.
Heterotopia, periventricular, X-linked dominant (PVNH1). Also called: PERIVENTRICULAR NODULAR HETEROTOPIA 1; X-linked periventricular heterotopia; PERIVENTRICULAR NODULAR HETEROTOPIA 4; HETEROTOPIA, PERIVENTRICULAR, 1. Identifiers: Orphanet 2149, Orphanet 82004, MedGen C1848213, MONDO:0010233, OMIM 300049.
Oto-palato-digital syndrome, type II (OPD2). Also called: FACIOPALATOOSSEOUS SYNDROME; OPD II SYNDROME; Otopalatodigital Syndrome, Type II; Otopalatodigital Syndrome Type 2 (FLNA-OPD2). Identifiers: Orphanet 669, Orphanet 90652, MedGen C1844696, MONDO:0010571, OMIM 304120.

Submission:

Labcorp Genetics (formerly Invitae), Labcorp
Classification: Uncertain significance for Oto-palato-digital syndrome, type II; Heterotopia, periventricular, X-linked dominant; Frontometaphyseal dysplasia; Melnick-Needles syndrome. Last evaluated: 2024-07-16. Review status: criteria provided, single submitter. Criteria: Invitae Variant Classification Sherloc (09022015). Collection method: clinical testing. Allele origin: germline.
Comment: This sequence change replaces alanine, which is neutral and non-polar, with valine, which is neutral and non-polar, at codon 811 of the FLNA protein (p.Ala811Val). This variant is not present in population databases (gnomAD no frequency). This variant has not been reported in the literature in individuals affected with FLNA-related conditions. Advanced modeling of protein sequence and biophysical properties (such as structural, functional, and spatial information, amino acid conservation, physicochemical variation, residue mobility, and thermodynamic stability) performed at Invitae indicates that this missense variant is not expected to disrupt FLNA protein function with a negative predictive value of 95%. In summary, the available evidence is currently insufficient to determine the role of this variant in disease. Therefore, it has been classified as a Variant of Uncertain Significance.

NM_001110556.2(FLNA):c.2432C>T (p.Ala811Val)

Gene: FLNA (filamin A; minus strand). Cytogenetic location: Xq28.
Variant type: single nucleotide variant.
Coding change: c.2432C>T on transcript NM_001110556.2 (MANE Select); coding-DNA position 2432, C replaced by T.
Protein change: p.Ala811Val; replaces alanine 811 with valine.
Molecular consequence: missense variant.
Genome position (GRCh38, 1-based): chrX:154,362,551, G>A on the plus strand (C>T on the coding strand, the complement: FLNA is on the minus strand). VCF-style: chrX-154362551-G-A. GRCh37 (hg19) VCF-style: chrX-153590919-G-A.
Other names: c.2432C>T, p.Ala811Val (NM_001456.4); short protein forms A811V.
Identifiers: ClinVar variation 3754005 (VCV003754005.2).